The following is an entry in ClinVar:

ClinVar aggregate classification (germline): Uncertain significance (1 of 4 stars; one submission).

Submission:

Women's Health and Genetics/Laboratory Corporation of America, LabCorp
Classification: Uncertain significance. Last evaluated: 2025-09-15. Review status: criteria provided, single submitter. Criteria: LabCorp Variant Classification Summary - May 2015. Collection method: clinical testing. Allele origin: germline.
Comment: Variant summary: SYP c.-12C>G is located in the untranscribed region upstream of the SYP gene region. The variant was absent in 101310 control chromosomes. The available data on variant occurrences in the general population are insufficient to allow any conclusion about variant significance. To our knowledge, no occurrence of c.-12C>G in individuals affected with SYP-related conditions and no experimental evidence demonstrating its impact on protein function have been reported. No submitters have cited clinical-significance assessments for this variant to ClinVar. Based on the evidence outlined above, the variant was classified as uncertain significance.

NM_003179.3(SYP):c.-12C>G

Genes: SYP (synaptophysin; minus strand), SYP-AS1 (SYP antisense RNA 1; plus strand), LOC130068281 (ATAC-STARR-seq lymphoblastoid silent region 20843; plus strand). Cytogenetic location: Xp11.23.
Variant type: single nucleotide variant.
Coding change: c.-12C>G on transcript NM_003179.3 (MANE Select); 12 bases upstream of the start codon, C replaced by G.
Genome position (GRCh38, 1-based): chrX:49,200,198, G>C on the plus strand (C>G on the coding strand, the complement: SYP is on the minus strand). VCF-style: chrX-49200198-G-C. GRCh37 (hg19) VCF-style: chrX-49056657-G-C.
Identifiers: ClinVar variation 4535513 (VCV004535513.1).